The following is an entry in ClinVar:

NM_000174.5(GP9):c.*38C>T

Gene: GP9 (glycoprotein IX platelet; plus strand). Cytogenetic location: 3q21.3.
Variant type: single nucleotide variant.
Coding change: c.*38C>T on transcript NM_000174.5 (MANE Select); 38 bases downstream of the stop codon, C replaced by T.
Molecular consequence: 3 prime UTR variant.
Genome position (GRCh38, 1-based): chr3:129,062,311, C>T. VCF-style: chr3-129062311-C-T. GRCh37 (hg19) VCF-style: chr3-128781154-C-T.
Identifiers: ClinVar variation 343224 (VCV000343224.6), dbSNP rs774275281, ClinGen allele CA2602737.

ClinVar aggregate classification (germline): Benign. Review status: reviewed by expert panel (3 of 4 stars). 2 submissions from 2 submitters: Benign (1). 1 of the submissions does not count toward it. Last evaluated 2025-02-11.

Conditions:
Bernard Soulier syndrome (BSS). Also called: BLEEDING DISORDER, PLATELET-TYPE, 1; GLYCOPROTEIN Ib, PLATELET, DEFICIENCY OF; PLATELET GLYCOPROTEIN Ib DEFICIENCY; VON WILLEBRAND FACTOR RECEPTOR DEFICIENCY; Giant platelet syndrome; Hemorrhagiparous thrombocytic dystrophy. Identifiers: Orphanet 274, MedGen C0005129, MeSH D001606, MONDO:0009276, OMIM 231200.

Allele frequency attached by ClinVar (database versions not stated): ExAC 0.00074; gnomAD exomes 0.00082; gnomAD 0.00088 and 0.00091; TOPMed 0.00088.
gnomAD v4.1: 1,711 of 1,447,672 alleles (0.12%); highest among the groups gnomAD compares: Non-Finnish European, 0.14%; 1 homozygote.

Submissions (2):

ClinGen Platelet Disorders Variant Curation Expert Panel, ClinGen
Classification: Benign for Bernard Soulier syndrome. Last evaluated: 2025-02-11. Review status: reviewed by expert panel. Criteria: ClinGen Platelet ACMG Specifications GP9 V1.0.0. Collection method: curation. Allele origin: germline. Inheritance: Autosomal recessive inheritance.
Comment: The c.*38C>T variant in GP9 is a 3'UTR variant in exon 3/3. The Grpmax Filtering allele frequency in gnomAD v4.1 is 0.001390 (based on 1541/1062810 alleles) in European non-Finnish population, which is higher than the ClinGen PD VCEP threshold (>0.001), and therefore meets this criterion (BA1). The computational splicing predictor SpliceAI indicated that the variant has no impact on splicing (score = 0) (BP4). In summary, this variant meets the criteria to be classified as Benign for autosomal recessive Bernard-Soulier syndrome based on the ACMG/AMP criteria applied, as specified by the ClinGen PD VCEP: BA1, BP4.

Illumina Laboratory Services, Illumina
Classification: Uncertain significance for Bernard Soulier syndrome. Last evaluated: 2018-01-13. Review status: criteria provided, single submitter. Criteria: ICSL Variant Classification Criteria 13 December 2019. Collection method: clinical testing. Allele origin: germline. Not counted in ClinVar's aggregate classification.